The following is an entry in ClinVar:

NM_014270.5(SLC7A9):c.1353C>A (p.Tyr451Ter)

Gene: SLC7A9 (solute carrier family 7 member 9; minus strand). Cytogenetic location: 19q13.11.
Variant type: single nucleotide variant.
Coding change: c.1353C>A on transcript NM_014270.5 (MANE Select); coding-DNA position 1353, C replaced by A.
Protein change: p.Tyr451Ter; replaces tyrosine 451 with a stop codon.
Molecular consequence: nonsense.
Genome position (GRCh38, 1-based): chr19:32,833,195, G>T on the plus strand (C>A on the coding strand, the complement: SLC7A9 is on the minus strand). VCF-style: chr19-32833195-G-T. GRCh37 (hg19) VCF-style: chr19-33324101-G-T.
Other names: c.1353C>A, p.Tyr451Ter (NM_001126335.2, NM_001243036.2); c.1353C>A (NM_014270.4); short protein forms Y451*.
Identifiers: ClinVar variation 562455 (VCV000562455.10), dbSNP rs1007096305, ClinGen allele CA307484383.

ClinVar aggregate classification (germline): Pathogenic. Review status: criteria provided, multiple submitters, no conflicts (2 of 4 stars). 4 submissions from 4 submitters: Pathogenic (3). 1 of the submissions does not count toward it. Last evaluated 2025-09-21.

Conditions:
Cystinuria (CSNU). Also called: Cystinuria, non-type I; CYSTINURIA, TYPE I; CYSTINURIA, TYPE II; CYSTINURIA, TYPE III. Identifiers: Orphanet 214, MedGen C0010691, MONDO:0009067, OMIM 220100, HP:0003131.
SLC7A9-related disorder. Also called: SLC7A9-related condition.

Allele frequency attached by ClinVar (database versions not stated): gnomAD exomes 0.00001.

Submissions (4):

PreventionGenetics, part of Exact Sciences
Classification: Pathogenic for SLC7A9-related condition. Last evaluated: 2025-09-21. Review status: criteria provided, single submitter. Criteria: ACMG Guidelines, 2015. Collection method: clinical testing. Allele origin: germline.
Comment: The SLC7A9 c.1353C>A variant is predicted to result in premature protein termination (p.Tyr451*). This variant was reported with a pathogenic canonical splice variant in an individual with cystinuria (Halbritter et al. 2015. PubMed ID: 25296721). This variant has not been reported in a large population database (gnomAD), indicating this variant is rare. Nonsense variants in SLC7A9 are expected to be pathogenic. This variant is interpreted as pathogenic for autosomal recessive cystinuria.

Fulgent Genetics
Classification: Pathogenic for Cystinuria. Last evaluated: 2021-08-27. Review status: criteria provided, single submitter. Criteria: ACMG Guidelines, 2015. Collection method: clinical testing. Allele origin: unknown.

Labcorp Genetics (formerly Invitae), Labcorp
Classification: Pathogenic. Last evaluated: 2018-05-23. Review status: criteria provided, single submitter. Criteria: Invitae Variant Classification Sherloc (09022015). Collection method: clinical testing. Allele origin: germline.
Comment: For these reasons, this variant has been classified as Pathogenic. Loss-of-function variants in SLC7A9 are known to be pathogenic (PMID: 11157794). This variant has been observed in combination with another SLC7A9 variant in an individual affected with cystinuria type B (PMID: 25296721). This variant is not present in population databases (ExAC no frequency). This sequence change creates a premature translational stop signal (p.Tyr451*) in the SLC7A9 gene. It is expected to result in an absent or disrupted protein product.

Gharavi Laboratory, Columbia University
Classification: Likely pathogenic. Last evaluated: 2018-09-16. Review status: no assertion criteria provided. Criteria: ACMG Guidelines, 2015. Collection method: research. Allele origin: germline. Affected: yes. Not counted in ClinVar's aggregate classification.

Literature cited by the submitters: PubMed 11157794 (cited by Labcorp Genetics (formerly Invitae), Labcorp); PubMed 25296721 (cited by Labcorp Genetics (formerly Invitae), Labcorp).